The following is an entry in ClinVar:

ClinVar aggregate classification (germline): Uncertain significance. Review status: criteria provided, multiple submitters, no conflicts (2 of 4 stars). 2 submissions from 2 submitters: Uncertain significance (2). Last evaluated 2026-06-27.

Conditions:
Cardiovascular phenotype. Identifiers: MedGen CN230736.
Long QT syndrome (LQTS). Identifiers: MedGen C0023976, MeSH D008133, MONDO:0002442. Disease mechanism: loss of function. Inheritance: Various modes of inheritance.

Allele frequency attached by ClinVar (database versions not stated): gnomAD exomes 0.00001; TOPMed 0.00001.

Submissions (2):

Ambry Genetics
Classification: Uncertain significance for Cardiovascular phenotype. Last evaluated: 2026-06-27. Review status: criteria provided, single submitter. Criteria: Ambry Variant Classification Scheme 2023. Collection method: clinical testing. Allele origin: germline.
Comment: The p.N1409D variant (also known as c.4225A>G), located in coding exon 15 of the AKAP9 gene, results from an A to G substitution at nucleotide position 4225. The asparagine at codon 1409 is replaced by aspartic acid, an amino acid with highly similar properties. This amino acid position is conserved. In addition, this alteration is predicted to be tolerated by in silico analysis. Based on the available evidence, the clinical significance of this variant remains unclear.

Labcorp Genetics (formerly Invitae), Labcorp
Classification: Uncertain significance for Long QT syndrome. Last evaluated: 2023-10-22. Review status: criteria provided, single submitter. Criteria: Invitae Variant Classification Sherloc (09022015). Collection method: clinical testing. Allele origin: germline.
Comment: This sequence change replaces asparagine, which is neutral and polar, with aspartic acid, which is acidic and polar, at codon 1409 of the AKAP9 protein (p.Asn1409Asp). This variant is not present in population databases (gnomAD no frequency). This variant has not been reported in the literature in individuals affected with AKAP9-related conditions. ClinVar contains an entry for this variant (Variation ID: 1513736). Algorithms developed to predict the effect of missense changes on protein structure and function output the following: SIFT: "Not Available"; PolyPhen-2: "Benign"; Align-GVGD: "Not Available". The aspartic acid amino acid residue is found in multiple mammalian species, which suggests that this missense change does not adversely affect protein function. In summary, the available evidence is currently insufficient to determine the role of this variant in disease. Therefore, it has been classified as a Variant of Uncertain Significance.

NM_005751.5(AKAP9):c.4225A>G (p.Asn1409Asp)

Gene: AKAP9 (A-kinase anchoring protein 9; plus strand). Cytogenetic location: 7q21.2.
Variant type: single nucleotide variant.
Coding change: c.4225A>G on transcript NM_005751.5 (MANE Select); coding-DNA position 4225, A replaced by G.
Protein change: p.Asn1409Asp; replaces asparagine 1409 with aspartic acid.
Molecular consequence: missense variant.
Genome position (GRCh38, 1-based): chr7:92,029,971, A>G. VCF-style: chr7-92029971-A-G. GRCh37 (hg19) VCF-style: chr7-91659285-A-G.
Other names: c.4225A>G, p.Asn1409Asp (NM_147185.3); c.4225A>G (NM_005751.4); short protein forms N1409D.
Identifiers: ClinVar variation 1513736 (VCV001513736.9), dbSNP rs1292299879, ClinGen allele CA368128257.